The following is an entry in ClinVar:

NM_017570.5(OPLAH):c.1409G>A (p.Arg470His)

Gene: OPLAH (5-oxoprolinase, ATP-hydrolysing; minus strand). Cytogenetic location: 8q24.3.
Variant type: single nucleotide variant.
Coding change: c.1409G>A on transcript NM_017570.5 (MANE Select); coding-DNA position 1409, G replaced by A.
Protein change: p.Arg470His; replaces arginine 470 with histidine.
Molecular consequence: missense variant.
Genome position (GRCh38, 1-based): chr8:144,057,461, C>T on the plus strand (G>A on the coding strand, the complement: OPLAH is on the minus strand). VCF-style: chr8-144057461-C-T. GRCh37 (hg19) VCF-style: chr8-145112364-C-T.
Other names: short protein forms R470H.
Identifiers: ClinVar variation 2082244 (VCV002082244.4), dbSNP rs782746469, ClinGen allele CA4931883.

ClinVar aggregate classification (germline): Uncertain significance (1 of 4 stars; one submission).

Conditions:
5-Oxoprolinase deficiency (OPLAHD). Also called: 5-OXOPROLINURIA DUE TO 5-OXOPROLINASE DEFICIENCY. Identifiers: Orphanet 33572, MedGen C0268525, MONDO:0009825, OMIM 260005, HP:0040142.

Allele frequency attached by ClinVar (database versions not stated): gnomAD exomes below 0.00001; ExAC 0.00004.
gnomAD v4.1: 2 of 1,587,434 alleles (0.00013%); highest among the groups gnomAD compares: South Asian, 0.0011%; no homozygotes.

Submission:

Labcorp Genetics (formerly Invitae), Labcorp
Classification: Uncertain significance for 5-Oxoprolinase deficiency. Last evaluated: 2022-03-27. Review status: criteria provided, single submitter. Criteria: Invitae Variant Classification Sherloc (09022015). Collection method: clinical testing. Allele origin: germline.
Comment: In summary, the available evidence is currently insufficient to determine the role of this variant in disease. Therefore, it has been classified as a Variant of Uncertain Significance. Algorithms developed to predict the effect of missense changes on protein structure and function are either unavailable or do not agree on the potential impact of this missense change (SIFT: "Not Available"; PolyPhen-2: "Probably Damaging"; Align-GVGD: "Not Available"). This variant has not been reported in the literature in individuals affected with OPLAH-related conditions. This variant is not present in population databases (gnomAD no frequency). This sequence change replaces arginine, which is basic and polar, with histidine, which is basic and polar, at codon 470 of the OPLAH protein (p.Arg470His).